The following is an entry in ClinVar:

NM_001083962.2(TCF4):c.594G>T (p.Ser198=)

Gene: TCF4 (transcription factor 4; minus strand). Cytogenetic location: 18q21.2.
Variant type: single nucleotide variant.
Coding change: c.594G>T on transcript NM_001083962.2 (MANE Select); coding-DNA position 594, G replaced by T.
Protein change: p.Ser198=; no amino-acid change (serine 198 retained).
Molecular consequence: synonymous variant. On other transcripts: 5 prime UTR variant (1).
Genome position (GRCh38, 1-based): chr18:55,279,612, C>A on the plus strand (G>T on the coding strand, the complement: TCF4 is on the minus strand). VCF-style: chr18-55279612-C-A. GRCh37 (hg19) VCF-style: chr18-52946843-C-A.
Other names: NM_001083962.2(TCF4):c.594G>T; p.Ser198=; c.900G>T, p.Ser300= (NM_001243226.3); c.522G>T, p.Ser174= (NM_001243227.2, NM_001306207.1, NM_001348217.1 and 9 more transcripts); c.612G>T, p.Ser204= (NM_001243228.2); c.588G>T, p.Ser196= (NM_001243230.2); c.468G>T, p.Ser156= (NM_001243231.2, NM_001348211.2); c.381G>T, p.Ser127= (NM_001243232.1, NM_001306208.1); and 6 more.
Identifiers: ClinVar variation 382591 (VCV000382591.5), dbSNP rs368553922, ClinGen allele CA16608777.

ClinVar aggregate classification (germline): Uncertain significance. Review status: reviewed by expert panel (3 of 4 stars). 3 submissions from 3 submitters: Uncertain significance (1). 2 of the submissions do not count toward it. Last evaluated 2024-08-30.

Conditions:
Pitt-Hopkins syndrome (PTHS). Also called: MENTAL RETARDATION, SYNDROMAL, WITH INTERMITTENT HYPERVENTILATION; ENCEPHALOPATHY, SEVERE EPILEPTIC, WITH AUTONOMIC DYSFUNCTION. Identifiers: Orphanet 2896, MedGen C1970431, MONDO:0012589, OMIM 610954.

Submissions (3):

ClinGen Rett and Angelman-like Disorders Variant Curation Expert Panel
Classification: Uncertain significance for Pitt-Hopkins syndrome. Last evaluated: 2024-08-30. Review status: reviewed by expert panel. Criteria: ClinGen RettAS ACMG Specifications TCF4 V3.0.0. Collection method: curation. Allele origin: germline. Inheritance: Autosomal dominant inheritance.
Comment: The p.Ser198= variant in TCF4 is absent from gnomAD v4.1 (PM2_Supporting). The p.Ser198= variant is observed in at least 1 unaffected individual (internal database - GeneDx) (BS2_Supporting). The silent p.Ser198= variant is not predicted to affect splicing using multiple computational tools and does not affect a highly conserved nucleotide (BP7). In summary, the p.Ser198= variant in TCF4 is classified as Uncertain significance based on the ACMG/AMP criteria (PM2_Supporting, BS2_Supporting, BP5, BP7).

Eurofins Ntd Llc (ga)
Classification: Uncertain significance. Last evaluated: 2017-01-13. Review status: criteria provided, single submitter. Criteria: EGL Classification Definitions 2015. Collection method: clinical testing. Allele origin: germline. Observed: 1 variant allele, 1 heterozygote. Not counted in ClinVar's aggregate classification.

GeneDx
Classification: Likely benign. Last evaluated: 2015-12-30. Review status: criteria provided, single submitter. Criteria: GeneDx Variant Classification (06012015). Collection method: clinical testing. Allele origin: germline. Affected: yes. Not counted in ClinVar's aggregate classification.
Comment: This variant is considered likely benign or benign based on one or more of the following criteria: it is a conservative change, it occurs at a poorly conserved position in the protein, it is predicted to be benign by multiple in silico algorithms, and/or has population frequency not consistent with disease.